The following is an entry in ClinVar:

NM_004655.4(AXIN2):c.2241C>A (p.His747Gln)

Gene: AXIN2 (axin 2; minus strand). Cytogenetic location: 17q24.1.
Variant type: single nucleotide variant.
Coding change: c.2241C>A on transcript NM_004655.4 (MANE Select); coding-DNA position 2241, C replaced by A.
Protein change: p.His747Gln; replaces histidine 747 with glutamine.
Molecular consequence: missense variant.
Genome position (GRCh38, 1-based): chr17:65,534,076, G>T on the plus strand (C>A on the coding strand, the complement: AXIN2 is on the minus strand). VCF-style: chr17-65534076-G-T. GRCh37 (hg19) VCF-style: chr17-63530194-G-T.
Other names: c.2046C>A, p.His682Gln (NM_001363813.1); c.2241C>A (NM_004655.3); short protein forms H682Q, H747Q.
Identifiers: ClinVar variation 1506869 (VCV001506869.7), dbSNP rs2144420407, ClinGen allele CA400675675.

ClinVar aggregate classification (germline): Uncertain significance. Review status: criteria provided, multiple submitters, no conflicts (2 of 4 stars). 2 submissions from 2 submitters: Uncertain significance (2). Last evaluated 2025-02-03.

Conditions:
Hereditary cancer-predisposing syndrome. Also called: Hereditary neoplastic syndrome; Tumor predisposition; Neoplastic Syndromes, Hereditary; Hereditary Cancer Syndrome. Identifiers: Orphanet 140162, MedGen C0027672, MeSH D009386, MONDO:0015356.
Oligodontia-cancer predisposition syndrome. Also called: TOOTH AGENESIS-COLORECTAL CANCER SYNDROME. Identifiers: Orphanet 300576, MedGen C1837750, MONDO:0012075, OMIM 608615. Disease mechanism: loss of function.

Submissions (2):

Ambry Genetics
Classification: Uncertain significance for Hereditary cancer-predisposing syndrome. Last evaluated: 2025-02-03. Review status: criteria provided, single submitter. Criteria: Ambry Variant Classification Scheme 2023. Collection method: clinical testing. Allele origin: germline.
Comment: The p.H747Q variant (also known as c.2241C>A), located in coding exon 9 of the AXIN2 gene, results from a C to A substitution at nucleotide position 2241. The histidine at codon 747 is replaced by glutamine, an amino acid with highly similar properties. This amino acid position is conserved. In addition, this alteration is predicted to be tolerated by in silico analysis. Based on the available evidence, the clinical significance of this variant remains unclear.

Labcorp Genetics (formerly Invitae), Labcorp
Classification: Uncertain significance for Oligodontia-cancer predisposition syndrome. Last evaluated: 2021-12-15. Review status: criteria provided, single submitter. Criteria: Invitae Variant Classification Sherloc (09022015). Collection method: clinical testing. Allele origin: germline.
Comment: In summary, the available evidence is currently insufficient to determine the role of this variant in disease. Therefore, it has been classified as a Variant of Uncertain Significance. Algorithms developed to predict the effect of missense changes on protein structure and function (SIFT, PolyPhen-2, Align-GVGD) all suggest that this variant is likely to be tolerated. This variant has not been reported in the literature in individuals affected with AXIN2-related conditions. This variant is not present in population databases (gnomAD no frequency). This sequence change replaces histidine, which is basic and polar, with glutamine, which is neutral and polar, at codon 747 of the AXIN2 protein (p.His747Gln).